The following is an entry in ClinVar:

NC_000015.9:g.(?_85382963)_(85400831_?)dup

Gene: ALPK3 (alpha kinase 3; plus strand). Cytogenetic location: 15q25.3.
Variant type: Duplication.
Identifiers: ClinVar variation 1456686 (VCV001456686.5).

ClinVar aggregate classification (germline): Pathogenic (1 of 4 stars; one submission).

Submission:

Labcorp Genetics (formerly Invitae), Labcorp
Classification: Pathogenic. Last evaluated: 2022-07-07. Review status: criteria provided, single submitter. Criteria: Invitae Variant Classification Sherloc (09022015). Collection method: clinical testing. Allele origin: germline.
Comment: For these reasons, this variant has been classified as Pathogenic. This variant has not been reported in the literature in individuals affected with ALPK3-related conditions. This sequence change creates a premature translational stop signal (p.Ile1159Cysfs*21) in the ALPK3 gene. It is expected to result in an absent or disrupted protein product. Loss-of-function variants in ALPK3 are known to be pathogenic (PMID: 21441111, 26846950, 27106955, 34263907).

Literature cited by the submitters: PubMed 21441111; PubMed 26846950; PubMed 27106955; PubMed 34263907.